The following is an entry in ClinVar:

ClinVar aggregate classification (germline): Uncertain significance (1 of 4 stars; one submission).

Conditions:
Leukodystrophy, hypomyelinating, 6. Also called: Hypomyelination with Atrophy of Basal Ganglia and Cerebellum (H-ABC); LEUKODYSTROPHY, HYPOMYELINATING, WITH ATROPHY OF THE BASAL GANGLIA AND CEREBELLUM; TUBB4A-Associated Leukodystrophy. Identifiers: Orphanet 139441, MedGen C2676244, MONDO:0012905, OMIM 612438.

Submission:

Labcorp Genetics (formerly Invitae), Labcorp
Classification: Uncertain significance for Leukodystrophy, hypomyelinating, 6. Last evaluated: 2026-01-05. Review status: criteria provided, single submitter. Criteria: Invitae Variant Classification Sherloc (09022015). Collection method: clinical testing. Allele origin: germline.
Comment: This variant, c.1316_1327del, results in the deletion of 4 amino acid(s) of the TUBB4A protein (p.Ala439_Glu442del), but otherwise preserves the integrity of the reading frame. The frequency data for this variant in the population databases is considered unreliable, as metrics indicate poor data quality at this position in the gnomAD database. This variant has not been reported in the literature in individuals affected with TUBB4A-related conditions. ClinVar contains an entry for this variant (Variation ID: 2203588). Experimental studies and prediction algorithms are not available or were not evaluated, and the functional significance of this variant is currently unknown. Algorithms developed to predict the effect of sequence changes on RNA splicing suggest that this variant may create or strengthen a splice site. In summary, the available evidence is currently insufficient to determine the role of this variant in disease. Therefore, it has been classified as a Variant of Uncertain Significance.

NM_006087.4(TUBB4A):c.1316_1327del (p.Ala439_Glu442del)

Gene: TUBB4A (tubulin beta 4A class IVa; minus strand). Cytogenetic location: 19p13.3.
Variant type: Deletion.
Coding change: c.1316_1327del on transcript NM_006087.4 (MANE Select); coding-DNA positions 1316 to 1327, 12 bases deleted (CGGAGGAGGAGG).
Protein change: p.Ala439_Glu442del.
Molecular consequence: inframe deletion.
Genome position (GRCh38, 1-based): chr19:6,495,172-6,495,183, CCTCCTCCTCCG deleted on the plus strand (CGGAGGAGGAGG on the coding strand, the reverse complement: TUBB4A is on the minus strand); deleting any 12 consecutive bases within chr19:6,495,172-6,495,193 gives the same sequence; the c. name uses the placement nearest the transcript's 3' end. VCF-style (leftmost placement, unchanged base first): chr19-6495171-ACCTCCTCCTCCG-A. GRCh37 (hg19) VCF-style: chr19-6495182-ACCTCCTCCTCCG-A.
Other names: c.1469_1480del, p.Ala490_Glu493del (NM_001289123.2); c.1451_1462del, p.Ala484_Glu487del (NM_001289127.2); c.1316_1327del, p.Ala439_Glu442del (NM_001289129.2); c.1100_1111del, p.Ala367_Glu370del (NM_001289130.2, NM_001289131.2).
Identifiers: ClinVar variation 2203588 (VCV002203588.4), dbSNP rs1313659984, ClinGen allele CA631721495.